The following is an entry in ClinVar:

NM_032043.3(BRIP1):c.1784A>G (p.Asn595Ser)

Gene: BRIP1 (BRCA1 interacting DNA helicase 1; minus strand). Cytogenetic location: 17q23.2.
Variant type: single nucleotide variant.
Coding change: c.1784A>G on transcript NM_032043.3 (MANE Select); coding-DNA position 1784, A replaced by G.
Protein change: p.Asn595Ser; replaces asparagine 595 with serine.
Molecular consequence: missense variant.
Genome position (GRCh38, 1-based): chr17:61,780,850, T>C on the plus strand (A>G on the coding strand, the complement: BRIP1 is on the minus strand). VCF-style: chr17-61780850-T-C. GRCh37 (hg19) VCF-style: chr17-59858211-T-C.
Other names: short protein forms N595S.
Identifiers: ClinVar variation 919419 (VCV000919419.4), dbSNP rs759727507, ClinGen allele CA8690673.

ClinVar aggregate classification (germline): Uncertain significance (1 of 4 stars; one submission).

Conditions:
Hereditary cancer-predisposing syndrome. Also called: Neoplastic Syndromes, Hereditary; Tumor predisposition; Hereditary Cancer Syndrome; Hereditary neoplastic syndrome. Identifiers: Orphanet 140162, MedGen C0027672, MeSH D009386, MONDO:0015356.

Allele frequency attached by ClinVar (database versions not stated): gnomAD exomes below 0.00001; ExAC 0.00001.

Submission:

Color Diagnostics, LLC DBA Color Health
Classification: Uncertain significance for Hereditary cancer-predisposing syndrome. Last evaluated: 2023-12-05. Review status: criteria provided, single submitter. Criteria: ACMG Guidelines, 2015. Collection method: clinical testing. Allele origin: germline.
Comment: This missense variant replaces asparagine with serine at codon 595 of the BRIP1 protein. Computational prediction suggests that this variant may not impact protein structure and function (internally defined REVEL score threshold <= 0.5, PMID: 27666373). To our knowledge, functional studies have not been reported for this variant. This variant has not been reported in individuals affected with BRIP1-related disorders in the literature. This variant has been identified in 1/251428 chromosomes in the general population by the Genome Aggregation Database (gnomAD). The available evidence is insufficient to determine the role of this variant in disease conclusively. Therefore, this variant is classified as a Variant of Uncertain Significance.